The following is an entry in ClinVar:

ClinVar aggregate classification (germline): Uncertain significance (0 of 4 stars; one submission).

Conditions:
MAPK8IP3-related disorder. Also called: MAPK8IP3-related condition.

gnomAD v4.1: 1 of 1,563,748 alleles (0.000064%); highest among the groups gnomAD compares: African/African-American, 0.0014%; no homozygotes.

Submission:

PreventionGenetics, part of Exact Sciences
Classification: Uncertain significance for MAPK8IP3-related condition. Last evaluated: 2024-04-12. Review status: no assertion criteria provided. Collection method: clinical testing. Allele origin: germline.
Comment: The MAPK8IP3 c.2020A>C variant is predicted to result in the amino acid substitution p.Lys674Gln. To our knowledge, this variant has not been reported in the literature or in a large population database, indicating this variant is rare. At this time, the clinical significance of this variant is uncertain due to the absence of conclusive functional and genetic evidence.

NM_001318852.2(MAPK8IP3):c.2020A>C (p.Lys674Gln)

Gene: MAPK8IP3 (mitogen-activated protein kinase 8 interacting protein 3; plus strand). Cytogenetic location: 16p13.3.
Variant type: single nucleotide variant.
Coding change: c.2020A>C on transcript NM_001318852.2 (MANE Select); coding-DNA position 2020, A replaced by C.
Protein change: p.Lys674Gln; replaces lysine 674 with glutamine.
Molecular consequence: missense variant.
Genome position (GRCh38, 1-based): chr16:1,763,778, A>C. VCF-style: chr16-1763778-A-C. GRCh37 (hg19) VCF-style: chr16-1813779-A-C.
Other names: c.1999A>C, p.Lys667Gln (NM_001040439.2); c.2017A>C, p.Lys673Gln (NM_015133.5); short protein forms K667Q, K673Q, K674Q.
Identifiers: ClinVar variation 3349568 (VCV003349568.1).
Genomic context (GRCh38, chr16:1,763,778, plus strand): 5'-CACGTGCGTAACGACGACGGCCGTCTGCAGGCCTGCGGCTGGAGCCTGCCCGCCAAGTAC[A>C]AGCAGGTGCGGGCGGGCGCTGCGGGGACCGGGCGGGGCCCCGCAGAGGCGGGGCGGGGGT-3'
Protein context (NP_001305781.1, residues 664-684): ACGWSLPAKY[Lys674Gln]QLSPNGGQED